The following is an entry in ClinVar:

NM_000384.3(APOB):c.10904A>C (p.Asn3635Thr)

Gene: APOB (apolipoprotein B; minus strand). Cytogenetic location: 2p24.1.
Variant type: single nucleotide variant.
Coding change: c.10904A>C on transcript NM_000384.3 (MANE Select); coding-DNA position 10904, A replaced by C.
Protein change: p.Asn3635Thr; replaces asparagine 3635 with threonine.
Molecular consequence: missense variant.
Genome position (GRCh38, 1-based): chr2:21,005,964, T>G on the plus strand (A>C on the coding strand, the complement: APOB is on the minus strand). VCF-style: chr2-21005964-T-G. GRCh37 (hg19) VCF-style: chr2-21228836-T-G.
Other names: short protein forms N3635T.
Identifiers: ClinVar variation 2142528 (VCV002142528.1), dbSNP rs2465358307, ClinGen allele CA345984655.

ClinVar aggregate classification (germline): Uncertain significance (1 of 4 stars; one submission).

Conditions:
Familial hypobetalipoproteinemia 1. Also called: APOB-Related Familial Hypobetalipoproteinemia; Hypobetalipoproteinemia, normotriglyceridemic; Acanthocytosis with hypobetalipoproteinemia. Identifiers: MedGen C4551990, MONDO:0014252, OMIM 615558.
Hypercholesterolemia, autosomal dominant, type B (FHCL2). Also called: Hyperlipoproteinemia Type IIb; Familial Hypercholesterolemia Type B; APOLIPOPROTEIN B-100, FAMILIAL DEFECTIVE; APOLIPOPROTEIN B-100, FAMILIAL LIGAND-DEFECTIVE; HYPERCHOLESTEROLEMIA, FAMILIAL, DUE TO LIGAND-DEFECTIVE APOLIPOPROTEIN B; APOB-Related Familial Hypercholesterolemia, Autosomal Dominant. Identifiers: MedGen C1704417, MONDO:0007751, OMIM 144010.

Allele frequency attached by ClinVar (database versions not stated): gnomAD exomes below 0.00001.
gnomAD v4.1: 1 of 1,613,830 alleles (0.000062%); highest among the groups gnomAD compares: Middle Eastern, 0.017%; no homozygotes.

Submission:

Labcorp Genetics (formerly Invitae), Labcorp
Classification: Uncertain significance for Familial hypobetalipoproteinemia 1; Hypercholesterolemia, autosomal dominant, type B. Last evaluated: 2021-08-14. Review status: criteria provided, single submitter. Criteria: Invitae Variant Classification Sherloc (09022015). Collection method: clinical testing. Allele origin: germline.
Comment: This sequence change replaces asparagine with threonine at codon 3635 of the APOB protein (p.Asn3635Thr). The asparagine residue is weakly conserved and there is a small physicochemical difference between asparagine and threonine. This variant is not present in population databases (ExAC no frequency). This variant has not been reported in the literature in individuals affected with APOB-related conditions. Algorithms developed to predict the effect of missense changes on protein structure and function (SIFT, PolyPhen-2, Align-GVGD) all suggest that this variant is likely to be tolerated. In summary, the available evidence is currently insufficient to determine the role of this variant in disease. Therefore, it has been classified as a Variant of Uncertain Significance.